The following is an entry in ClinVar:

NM_001849.4(COL6A2):c.900+1G>T

Gene: COL6A2 (collagen type VI alpha 2 chain; plus strand). Cytogenetic location: 21q22.3.
Variant type: single nucleotide variant.
Coding change: c.900+1G>T on transcript NM_001849.4 (MANE Select); the canonical splice donor site of the intron after coding-DNA position 900, G replaced by T.
Molecular consequence: splice donor variant.
Genome position (GRCh38, 1-based): chr21:46,116,054, G>T. VCF-style: chr21-46116054-G-T. GRCh37 (hg19) VCF-style: chr21-47535968-G-T.
Other names: c.900+1G>T (NM_058175.3, NM_058174.3).
Identifiers: ClinVar variation 2034291 (VCV002034291.5), dbSNP rs886044261, ClinGen allele CA410525411.

ClinVar aggregate classification (germline): Pathogenic. Review status: criteria provided, multiple submitters, no conflicts (2 of 4 stars). 2 submissions from 2 submitters: Pathogenic (2). Last evaluated 2023-11-24.

Conditions:
COL6A2-related disorder.
Bethlem myopathy 1A. Also called: MYOPATHY, BENIGN CONGENITAL, WITH CONTRACTURES; Bethlem Muscular Dystrophy; Bethlem myopathy 1. Identifiers: Orphanet 610, MedGen CN029274, MONDO:0024530, OMIM 158810.

Submissions (2):

Blueprint Genetics
Classification: Pathogenic for COL6A2-related disorders. Last evaluated: 2023-11-24. Review status: criteria provided, single submitter. Criteria: ACMG Guidelines, 2015. Collection method: clinical testing. Allele origin: germline. Affected: yes. Observed: 3 variant alleles.

Labcorp Genetics (formerly Invitae), Labcorp
Classification: Pathogenic for Bethlem myopathy 1A. Last evaluated: 2022-10-05. Review status: criteria provided, single submitter. Criteria: Invitae Variant Classification Sherloc (09022015). Collection method: clinical testing. Allele origin: germline.
Comment: This sequence change affects a donor splice site in intron 7 of the COL6A2 gene. It is expected to disrupt RNA splicing. Variants that disrupt the donor or acceptor splice site typically lead to a loss of protein function (PMID: 16199547), and loss-of-function variants in COL6A2 are known to be disease-causing for autosomal recessive COL6A2 conditions (PMID: 21280092, 20976770). However, certain variants affecting donor or acceptor splice sites in the triple helical domain of COL6A2 are expected to result in in-frame exon skipping and have been reported to cause autosomal dominant COL6A2-related conditions (PMID: 18366090). For these reasons, this variant has been classified as Pathogenic. Algorithms developed to predict the effect of sequence changes on RNA splicing suggest that this variant may disrupt the consensus splice site. Disruption of this splice site has been observed in individual(s) with clinical features of autosomal dominant type VI collagenopathies (PMID: 25204870, 29419890). In at least one individual the variant was observed to be de novo. This variant is not present in population databases (gnomAD no frequency).

Literature cited by the submitters: PubMed 16199547 (cited by Labcorp Genetics (formerly Invitae), Labcorp); PubMed 21280092 (cited by Labcorp Genetics (formerly Invitae), Labcorp); PubMed 20976770 (cited by Labcorp Genetics (formerly Invitae), Labcorp); PubMed 18366090 (cited by Labcorp Genetics (formerly Invitae), Labcorp); PubMed 25204870 (cited by Labcorp Genetics (formerly Invitae), Labcorp); PubMed 29419890 (cited by Labcorp Genetics (formerly Invitae), Labcorp).